The following is an entry in ClinVar:

ClinVar aggregate classification (germline): Uncertain significance (1 of 4 stars; one submission).

Submission:

GeneDx
Classification: Uncertain significance. Last evaluated: 2023-04-18. Review status: criteria provided, single submitter. Criteria: GeneDx Variant Classification Process June 2021. Collection method: clinical testing. Allele origin: germline. Affected: yes.
Comment: In-frame insertion of one amino acid in a non-repeat region; Not observed at significant frequency in large population cohorts (gnomAD); Has not been previously published as pathogenic or benign to our knowledge

NM_015047.3(EMC1):c.2933_2935dup (p.Ile978_Thr979insIle)

Genes: EMC1 (ER membrane protein complex subunit 1; minus strand), EMC1-AS1 (EMC1 antisense RNA 1; plus strand). Cytogenetic location: 1p36.13.
Variant type: Duplication.
Coding change: c.2933_2935dup on transcript NM_015047.3 (MANE Select); coding-DNA positions 2933 to 2935, 3 bases duplicated (TCA; older notation c.2933_2935dupTCA).
Protein change: p.Ile978_Thr979insIle.
Molecular consequence: inframe insertion.
Genome position (GRCh38, 1-based): chr1:19,219,350-19,219,352, TGA duplicated on the plus strand (TCA on the coding strand, the reverse complement: EMC1 is on the minus strand); duplicating any 3 consecutive bases within chr1:19,219,350-19,219,353 gives the same sequence; the c. name uses the placement nearest the transcript's 3' end. VCF-style (leftmost placement, unchanged base first): chr1-19219349-G-GTGA. GRCh37 (hg19) VCF-style: chr1-19545843-G-GTGA.
Other names: c.2930_2932dup, p.Ile977_Thr978insIle (NM_001271427.2, NM_001271428.2); c.2867_2869dup, p.Ile956_Thr957insIle (NM_001271429.2); c.2942_2944dup, p.Ile981_Thr982insIle (NM_001375820.1); c.2939_2941dup, p.Ile980_Thr981insIle (NM_001375821.1).
Identifiers: ClinVar variation 2663605 (VCV002663605.1), dbSNP rs2536634527, ClinGen allele CA2695197983.
Genomic context (GRCh38, chr1:19,219,349, plus strand): 5'-ACAGTCTTTGTTCTTTATCGCCAGGCCCGATTCAGGAGCTTCACCTGTGCCAGTCTCTTA[G>GTGA]TGATCATGGTGGCAAAAACCAGGCCAAAGAGGACGCTGCTGATTAACACGTAGTCATAGT-3'